The following is an entry in ClinVar:

ClinVar aggregate classification (germline): Benign (1 of 4 stars; one submission).

Allele frequency attached by ClinVar (database versions not stated): 1000 Genomes Project 30x 0.00234; 1000 Genomes Project 0.00260; TOPMed 0.00669; gnomAD 0.01002.

Submission:

CeGaT Center for Human Genetics Tuebingen
Classification: Benign. Last evaluated: 2025-05-01. Review status: criteria provided, single submitter. Criteria: CeGaT Center For Human Genetics Tuebingen Variant Classification Criteria Version 2. Collection method: clinical testing. Allele origin: germline. Affected: yes. Observed: 2 variant alleles.
Comment: CASC11: BS1, BS2; MYC: BS1, BS2

NM_002467.6(MYC):c.31-172G>A

Gene: MYC (MYC proto-oncogene, bHLH transcription factor; plus strand). Cytogenetic location: 8q24.21.
Variant type: single nucleotide variant.
Coding change: c.31-172G>A on transcript NM_002467.6 (MANE Select); 172 bases into the intron before coding-DNA position 31, G replaced by A.
Molecular consequence: intron variant.
Genome position (GRCh38, 1-based): chr8:127,738,076, G>A. VCF-style: chr8-127738076-G-A. GRCh37 (hg19) VCF-style: chr8-128750322-G-A.
Other names: c.31-175G>A (NM_001354870.1).
Identifiers: ClinVar variation 2658814 (VCV002658814.24), dbSNP rs113152741, ClinGen allele CA185777038.